The following is an entry in ClinVar:

NM_000135.4(FANCA):c.2325C>G (p.Ser775Arg)

Gene: FANCA (FA complementation group A; minus strand). Cytogenetic location: 16q24.3.
Variant type: single nucleotide variant.
Coding change: c.2325C>G on transcript NM_000135.4 (MANE Select); coding-DNA position 2325, C replaced by G.
Protein change: p.Ser775Arg; replaces serine 775 with arginine.
Molecular consequence: missense variant.
Genome position (GRCh38, 1-based): chr16:89,770,016, G>C on the plus strand (C>G on the coding strand, the complement: FANCA is on the minus strand). VCF-style: chr16-89770016-G-C. GRCh37 (hg19) VCF-style: chr16-89836424-G-C.
Other names: c.2325C>G, p.Ser775Arg (NM_001286167.3); c.2325C>G (NM_000135.2, NM_000135.3); short protein forms S775R.
Identifiers: ClinVar variation 1021734 (VCV001021734.8), dbSNP rs545765795, ClinGen allele CA8251753.

ClinVar aggregate classification (germline): Uncertain significance. Review status: criteria provided, multiple submitters, no conflicts (2 of 4 stars). 4 submissions from 4 submitters: Uncertain significance (3). 1 of the submissions does not count toward it. Last evaluated 2025-05-27.

Conditions:
Inborn genetic diseases. Identifiers: MedGen C0950123, MeSH D030342.
Fanconi anemia (FA). Also called: Fanconi's anemia. Identifiers: Orphanet 84, MedGen C0015625, MeSH D005199, MONDO:0019391.

gnomAD v4.1: 6 of 1,613,564 alleles (0.00037%); highest among the groups gnomAD compares: Admixed American, 0.0067%; no homozygotes.

Submissions (4):

Quest Diagnostics Nichols Institute San Juan Capistrano
Classification: Uncertain significance. Last evaluated: 2025-05-27. Review status: criteria provided, single submitter. Criteria: Quest Diagnostics criteria. Collection method: clinical testing. Allele origin: unknown.
Comment: The FANCA c.2325C>G (p.Ser775Arg) variant has not been reported in individuals with FANCA-related conditions in the published literature. The frequency of this variant in the general population (Genome Aggregation Database) is uninformative in the assessment of its pathogenicity. Analysis of this variant using bioinformatics tools for the prediction of the effect of amino acid changes on protein structure and function yielded conflicting predictions that this variant is benign or damaging. Based on the available information, we are unable to determine the clinical significance of this variant.

Ambry Genetics
Classification: Uncertain significance for Inborn genetic diseases. Last evaluated: 2025-05-02. Review status: criteria provided, single submitter. Criteria: Ambry Variant Classification Scheme 2023. Collection method: clinical testing. Allele origin: germline.
Comment: The p.S775R variant (also known as c.2325C>G), located in coding exon 26 of the FANCA gene, results from a C to G substitution at nucleotide position 2325. The serine at codon 775 is replaced by arginine, an amino acid with dissimilar properties. This amino acid position is conserved. In addition, this alteration is predicted to be tolerated by in silico analysis. Based on the available evidence, the clinical significance of this variant remains unclear.

Labcorp Genetics (formerly Invitae), Labcorp
Classification: Uncertain significance for Fanconi anemia. Last evaluated: 2022-08-09. Review status: criteria provided, single submitter. Criteria: Invitae Variant Classification Sherloc (09022015). Collection method: clinical testing. Allele origin: germline.
Comment: This sequence change replaces serine, which is neutral and polar, with arginine, which is basic and polar, at codon 775 of the FANCA protein (p.Ser775Arg). This variant is present in population databases (rs545765795, gnomAD 0.01%). This variant has not been reported in the literature in individuals affected with FANCA-related conditions. ClinVar contains an entry for this variant (Variation ID: 1021734). Advanced modeling of protein sequence and biophysical properties (such as structural, functional, and spatial information, amino acid conservation, physicochemical variation, residue mobility, and thermodynamic stability) performed at Invitae indicates that this missense variant is not expected to disrupt FANCA protein function. In summary, the available evidence is currently insufficient to determine the role of this variant in disease. Therefore, it has been classified as a Variant of Uncertain Significance.

Natera, Inc.
Classification: Uncertain significance for Fanconi anemia. Last evaluated: 2020-03-11. Review status: no assertion criteria provided. Collection method: clinical testing. Allele origin: germline. Not counted in ClinVar's aggregate classification.